The following is an entry in ClinVar:

NM_015267.4(CUX2):c.2767-5C>T

Gene: CUX2 (cut like homeobox 2; plus strand). Cytogenetic location: 12q24.12.
Variant type: single nucleotide variant.
Coding change: c.2767-5C>T on transcript NM_015267.4 (MANE Select); 5 bases into the intron before coding-DNA position 2767, C replaced by T.
Molecular consequence: intron variant.
Genome position (GRCh38, 1-based): chr12:111,322,416, C>T. VCF-style: chr12-111322416-C-T. GRCh37 (hg19) VCF-style: chr12-111760220-C-T.
Other names: c.2581-5C>T (NM_001370598.1).
Identifiers: ClinVar variation 4997857 (VCV004997857.1).
Genomic context (GRCh38, chr12:111,322,416, plus strand): 5'-AGAGTGAGGGCCAGGCCCATGTCCCAGGGGCCTGCTGACCTACCCCCCTGGCCCGCCCCT[C>T]GCAGGTGCTGGGCCTGTCACAGGGCAGCGTGAGCGACATGCTGTCCCGGCCGAAGCCATG-3'

ClinVar aggregate classification (germline): Likely benign (1 of 4 stars; one submission).

Conditions:
CUX2-related disorder. Also called: CUX2-related condition.

gnomAD v4.1: 16 of 1,553,636 alleles (0.001%); highest among the groups gnomAD compares: Non-Finnish European, 0.0014%; no homozygotes.

Submission:

PreventionGenetics, part of Exact Sciences
Classification: Likely benign for CUX2-related condition. Last evaluated: 2026-09-15. Review status: criteria provided, single submitter. Criteria: ACMG Guidelines, 2015. Collection method: clinical testing. Allele origin: germline.
Comment: This variant is classified as likely benign based on ACMG/AMP sequence variant interpretation guidelines (Richards et al. 2015 PMID: 25741868, with internal and published modifications).